The following is an entry in ClinVar:

ClinVar aggregate classification (germline): Uncertain significance (1 of 4 stars; one submission).

Submission:

GeneDx
Classification: Uncertain significance. Last evaluated: 2024-01-31. Review status: criteria provided, single submitter. Criteria: GeneDx Variant Classification Process June 2021. Collection method: clinical testing. Allele origin: germline. Affected: yes.
Comment: Not observed at significant frequency in large population cohorts (gnomAD); In silico analysis supports that this missense variant has a deleterious effect on protein structure/function; Has not been previously published as pathogenic or benign to our knowledge

NM_017654.4(SAMD9):c.4295A>G (p.Tyr1432Cys)

Gene: SAMD9 (sterile alpha motif domain containing 9; minus strand). Cytogenetic location: 7q21.2.
Variant type: single nucleotide variant.
Coding change: c.4295A>G on transcript NM_017654.4 (MANE Select); coding-DNA position 4295, A replaced by G.
Protein change: p.Tyr1432Cys; replaces tyrosine 1432 with cysteine.
Molecular consequence: missense variant.
Genome position (GRCh38, 1-based): chr7:93,101,803, T>C on the plus strand (A>G on the coding strand, the complement: SAMD9 is on the minus strand). VCF-style: chr7-93101803-T-C. GRCh37 (hg19) VCF-style: chr7-92731116-T-C.
Other names: c.4295A>G, p.Tyr1432Cys (NM_001193307.2); short protein forms Y1432C.
Identifiers: ClinVar variation 3361370 (VCV003361370.1).
Genomic context (GRCh38, chr7:93,101,803, plus strand): 5'-TGTTCAGAATGTTGATCTAGTTGTTGATTTTCTGGCCAGAATAAGAGGGAAGCTAGAAAA[T>C]ACGGTTCTGAAAACTGATAAGTCAGTCCTATTGGTTGCAAGACTTCTCGAAGCTGATCTT-3'
Protein context (NP_060124.2, residues 1422-1442): IGLTYQFSEP[Tyr1432Cys]FLASLLFWPE